The following is an entry in ClinVar:

NM_000238.4(KCNH2):c.2083C>T (p.Gln695Ter)

Gene: KCNH2 (potassium voltage-gated channel subfamily H member 2; minus strand). Cytogenetic location: 7q36.1.
Variant type: single nucleotide variant.
Coding change: c.2083C>T on transcript NM_000238.4 (MANE Select); coding-DNA position 2083, C replaced by T.
Protein change: p.Gln695Ter; replaces glutamine 695 with a stop codon.
Molecular consequence: nonsense.
Genome position (GRCh38, 1-based): chr7:150,950,983, G>A on the plus strand (C>T on the coding strand, the complement: KCNH2 is on the minus strand). VCF-style: chr7-150950983-G-A. GRCh37 (hg19) VCF-style: chr7-150648071-G-A.
Other names: c.1063C>T, p.Gln355Ter (NM_001204798.2, NM_172057.3); c.1795C>T, p.Gln599Ter (NM_001406753.1, NM_001406756.1); c.1906C>T, p.Gln636Ter (NM_001406755.1); c.1783C>T, p.Gln595Ter (NM_001406757.1); c.2083C>T, p.Gln695Ter (NM_172056.3); short protein forms Q355*, Q695*, Q599*, Q636*, Q595*.
Identifiers: ClinVar variation 420923 (VCV000420923.10), dbSNP rs1064794793, ClinGen allele CA16618406.

ClinVar aggregate classification (germline): Pathogenic/Likely pathogenic. Review status: criteria provided, multiple submitters, no conflicts (2 of 4 stars). 3 submissions from 3 submitters: Pathogenic (2); Likely pathogenic (1). Last evaluated 2023-01-18.

Conditions:
Long QT syndrome (LQTS). Identifiers: MedGen C0023976, MeSH D008133, MONDO:0002442. Disease mechanism: loss of function. Inheritance: Various modes of inheritance.
Cardiovascular phenotype. Identifiers: MedGen CN230736.

Submissions (3):

Ambry Genetics
Classification: Pathogenic for Cardiovascular phenotype. Last evaluated: 2023-01-18. Review status: criteria provided, single submitter. Criteria: Ambry Variant Classification Scheme 2023. Collection method: clinical testing. Allele origin: germline.
Comment: The p.Q695* pathogenic mutation (also known as c.2083C>T), located in coding exon 8 of the KCNH2 gene, results from a C to T substitution at nucleotide position 2083. This changes the amino acid from a glutamine to a stop codon within coding exon 8. This variant has been detected in an individual from a long QT syndrome cohort (Walsh R et al. Genet Med, 2021 Jan;23:47-58). This variant is considered to be rare based on population cohorts in the Genome Aggregation Database (gnomAD). This alteration is expected to result in loss of function by premature protein truncation or nonsense-mediated mRNA decay. As such, this alteration is interpreted as a disease-causing mutation.

Labcorp Genetics (formerly Invitae), Labcorp
Classification: Pathogenic for Long QT syndrome. Last evaluated: 2022-03-06. Review status: criteria provided, single submitter. Criteria: Invitae Variant Classification Sherloc (09022015). Collection method: clinical testing. Allele origin: germline.
Comment: For these reasons, this variant has been classified as Pathogenic. ClinVar contains an entry for this variant (Variation ID: 420923). This variant has not been reported in the literature in individuals affected with KCNH2-related conditions. This variant is not present in population databases (gnomAD no frequency). This sequence change creates a premature translational stop signal (p.Gln695*) in the KCNH2 gene. It is expected to result in an absent or disrupted protein product. Loss-of-function variants in KCNH2 are known to be pathogenic (PMID: 10973849, 19862833).

GeneDx
Classification: Likely pathogenic. Last evaluated: 2016-04-11. Review status: criteria provided, single submitter. Criteria: GeneDx Variant Classification (06012015). Collection method: clinical testing. Allele origin: germline. Affected: yes.
Comment: The Q695X variant in the KCNH2 gene has not been reported as a pathogenic variant or as a benign variant to our knowledge. Q695X is predicted to cause loss of normal protein function either by protein truncation or nonsense-mediated mRNA decay. Other downstream truncating variants in the KCNH2 gene have been reported in HGMD in association with LQTS (Stenson et al., 2014). Furthermore, the Q695X likely pathogenic variant was not observed in approximately 6,500 individuals of European and African American ancestry in the NHLBI Exome Sequencing Project, indicating it is not a common benign variant in these populations.

Literature cited by the submitters: PubMed 32893267 (cited by Ambry Genetics); PubMed 10973849 (cited by Labcorp Genetics (formerly Invitae), Labcorp); PubMed 19862833 (cited by Labcorp Genetics (formerly Invitae), Labcorp).